The following is an entry in ClinVar:

NM_000535.7(PMS2):c.1797C>T (p.Asp599=)

Gene: PMS2 (PMS1 homolog 2, mismatch repair system component; minus strand). Cytogenetic location: 7p22.1.
Variant type: single nucleotide variant.
Coding change: c.1797C>T on transcript NM_000535.7 (MANE Select); coding-DNA position 1797, C replaced by T.
Protein change: p.Asp599=; no amino-acid change (aspartic acid 599 retained).
Molecular consequence: synonymous variant. On other transcripts: non-coding transcript variant (1).
Genome position (GRCh38, 1-based): chr7:5,986,968, G>A on the plus strand (C>T on the coding strand, the complement: PMS2 is on the minus strand). VCF-style: chr7-5986968-G-A. GRCh37 (hg19) VCF-style: chr7-6026599-G-A.
Other names: c.1392C>T, p.Asp464= (NM_001322003.2, NM_001322004.2, NM_001322005.2 and 1 more transcripts); c.1641C>T, p.Asp547= (NM_001322006.2); c.1479C>T, p.Asp493= (NM_001322007.2, NM_001322008.2); c.1236C>T, p.Asp412= (NM_001322010.2); c.864C>T, p.Asp288= (NM_001322011.2, NM_001322012.2); c.1224C>T, p.Asp408= (NM_001322013.2); c.1797C>T, p.Asp599= (NM_001322014.2); c.1488C>T, p.Asp496= (NM_001322015.2).
Identifiers: ClinVar variation 1087922 (VCV001087922.13), dbSNP rs1261280629, ClinGen allele CA453745798.

ClinVar aggregate classification (germline): Benign/Likely benign. Review status: criteria provided, multiple submitters, no conflicts (2 of 4 stars). 3 submissions from 3 submitters: Benign (1); Likely benign (2). Last evaluated 2025-01-31.

Conditions:
Hereditary nonpolyposis colorectal neoplasms. Identifiers: MedGen C0009405, MeSH D003123.
Hereditary cancer-predisposing syndrome. Also called: Hereditary Cancer Syndrome; Neoplastic Syndromes, Hereditary; Hereditary neoplastic syndrome; Tumor predisposition. Identifiers: Orphanet 140162, MedGen C0027672, MeSH D009386, MONDO:0015356.
Lynch syndrome 4 (LYNCH4). Also called: Hereditary non-polyposis colorectal cancer, type 4; Colorectal cancer, hereditary nonpolyposis, type 4. Identifiers: Orphanet 144, MedGen C1838333, MONDO:0013699, OMIM 614337. Disease mechanism: loss of function.

Allele frequency attached by ClinVar (database versions not stated): TOPMed below 0.00001; gnomAD 0.00001.
gnomAD v4.1: 1 of 1,613,760 alleles (0.000062%); no homozygotes.

Submissions (3):

Myriad Genetics, Inc.
Classification: Benign for Lynch syndrome 4. Last evaluated: 2025-01-31. Review status: criteria provided, single submitter. Criteria: Myriad Autosomal Dominant, Autosomal Recessive and X-Linked Classification Criteria (2023). Collection method: clinical testing. Allele origin: unknown.
Comment: This variant is considered benign. This variant is a silent/synonymous amino acid change and it is not expected to impact splicing.

Labcorp Genetics (formerly Invitae), Labcorp
Classification: Likely benign for Hereditary nonpolyposis colorectal neoplasms. Last evaluated: 2022-01-11. Review status: criteria provided, single submitter. Criteria: Invitae Variant Classification Sherloc (09022015). Collection method: clinical testing. Allele origin: germline.

Ambry Genetics
Classification: Likely benign for Hereditary cancer-predisposing syndrome. Last evaluated: 2021-03-02. Review status: criteria provided, single submitter. Criteria: Ambry Variant Classification Scheme 2023. Collection method: clinical testing. Allele origin: germline.